The following is an entry in ClinVar:

ClinVar aggregate classification (germline): Uncertain significance. Review status: criteria provided, multiple submitters, no conflicts (2 of 4 stars). 2 submissions from 2 submitters: Uncertain significance (2). Last evaluated 2022-08-05.

Conditions:
Inborn genetic diseases. Identifiers: MedGen C0950123, MeSH D030342.
Amyotrophic lateral sclerosis type 1 (ALS1). Also called: AMYOTROPHIC LATERAL SCLEROSIS 1, FAMILIAL. Identifiers: Orphanet 803, MedGen C1862939, MONDO:0007103, OMIM 105400.
Neuronopathy, distal hereditary motor, type 7B. Also called: NEURONOPATHY, DISTAL HEREDITARY MOTOR, AUTOSOMAL DOMINANT 14; NEURONOPATHY, DISTAL HEREDITARY MOTOR, HARDING TYPE VIIB; NEUROPATHY, DISTAL HEREDITARY MOTOR, HARDING TYPE VIIB; NEUROPATHY, DISTAL HEREDITARY MOTOR, WITH VOCAL CORD PARALYSIS, HARDING TYPE VIIB; HMN VIIB; LOWER MOTOR NEURON DISEASE, DYNACTIN TYPE. Identifiers: Orphanet 139589, MedGen C1843315, MONDO:0011879, OMIM 607641.
Perry syndrome. Also called: PARKINSONISM WITH ALVEOLAR HYPOVENTILATION AND MENTAL DEPRESSION. Identifiers: Orphanet 178509, MedGen C1868594, MONDO:0008201, OMIM 168605.

Allele frequency attached by ClinVar (database versions not stated): TOPMed below 0.00001; gnomAD exomes 0.00002.
gnomAD v4.1: 33 of 1,614,002 alleles (0.002%); highest among the groups gnomAD compares: Non-Finnish European, 0.0024%; no homozygotes.

Submissions (2):

Labcorp Genetics (formerly Invitae), Labcorp
Classification: Uncertain significance for Amyotrophic lateral sclerosis type 1; Neuronopathy, distal hereditary motor, type 7B; Perry syndrome. Last evaluated: 2022-08-05. Review status: criteria provided, single submitter. Criteria: Invitae Variant Classification Sherloc (09022015). Collection method: clinical testing. Allele origin: germline.
Comment: In summary, the available evidence is currently insufficient to determine the role of this variant in disease. Therefore, it has been classified as a Variant of Uncertain Significance. Algorithms developed to predict the effect of missense changes on protein structure and function (SIFT, PolyPhen-2, Align-GVGD) all suggest that this variant is likely to be disruptive. This variant has not been reported in the literature in individuals affected with DCTN1-related conditions. This variant is present in population databases (no rsID available, gnomAD 0.006%). This sequence change replaces arginine, which is basic and polar, with tryptophan, which is neutral and slightly polar, at codon 274 of the DCTN1 protein (p.Arg274Trp).

Ambry Genetics
Classification: Uncertain significance for Inborn genetic diseases. Last evaluated: 2020-09-03. Review status: criteria provided, single submitter. Criteria: Ambry Variant Classification Scheme 2023. Collection method: clinical testing. Allele origin: germline.
Comment: The p.R274W variant (also known as c.820C>T), located in coding exon 9 of the DCTN1 gene, results from a C to T substitution at nucleotide position 820. The arginine at codon 274 is replaced by tryptophan, an amino acid with dissimilar properties. This amino acid position is not well conserved in available vertebrate species. In addition, the in silico prediction for this alteration is inconclusive. Since supporting evidence is limited at this time, the clinical significance of this alteration remains unclear.

NM_004082.5(DCTN1):c.820C>T (p.Arg274Trp)

Gene: DCTN1 (dynactin subunit 1; minus strand). Cytogenetic location: 2p13.1.
Variant type: single nucleotide variant.
Coding change: c.820C>T on transcript NM_004082.5 (MANE Select); coding-DNA position 820, C replaced by T.
Protein change: p.Arg274Trp; replaces arginine 274 with tryptophan.
Molecular consequence: missense variant. On other transcripts: non-coding transcript variant (1).
Genome position (GRCh38, 1-based): chr2:74,371,002, G>A on the plus strand (C>T on the coding strand, the complement: DCTN1 is on the minus strand). VCF-style: chr2-74371002-G-A. GRCh37 (hg19) VCF-style: chr2-74598129-G-A.
Other names: c.760C>T, p.Arg254Trp (NM_001135040.3); c.418C>T, p.Arg140Trp (NM_001135041.3, NM_023019.4); c.709C>T, p.Arg237Trp (NM_001190836.2); c.799C>T, p.Arg267Trp (NM_001190837.2); c.769C>T, p.Arg257Trp (NM_001378991.1); c.751C>T, p.Arg251Trp (NM_001378992.1); short protein forms R257W, R237W, R251W, R140W, R254W, R274W, R267W.
Identifiers: ClinVar variation 1762468 (VCV001762468.7), dbSNP rs1420213643, ClinGen allele CA347365909.